The following is an entry in ClinVar:

ClinVar aggregate classification (germline): Uncertain significance. Review status: criteria provided, multiple submitters, no conflicts (2 of 4 stars). 3 submissions from 3 submitters: Uncertain significance (2). 1 of the submissions does not count toward it. Last evaluated 2024-06-11.

Conditions:
Phenylketonuria (PKU). Also called: FOLLING DISEASE; OLIGOPHRENIA PHENYLPYRUVICA; Phenylketonurias; Phenylketonuria (PKU). Identifiers: Orphanet 716, MedGen C0031485, MONDO:0009861, OMIM 261600. Disease mechanism: loss of function.

gnomAD v4.1: 1 of 1,613,532 alleles (0.000062%); highest among the groups gnomAD compares: Non-Finnish European, 0.000085%; no homozygotes.

Submissions (3):

Women's Health and Genetics/Laboratory Corporation of America, LabCorp
Classification: Uncertain significance. Last evaluated: 2024-06-11. Review status: criteria provided, single submitter. Criteria: LabCorp Variant Classification Summary - May 2015. Collection method: clinical testing. Allele origin: germline.
Comment: Variant summary: PAH c.1156T>C (p.Tyr386His) results in a conservative amino acid change in the encoded protein sequence. Four of five in-silico tools predict a damaging effect of the variant on protein function. The variant was absent in 251268 control chromosomes. The available data on variant occurrences in the general population are insufficient to allow any conclusion about variant significance. c.1156T>C has been reported in the literature in at least one compound heterozygous individual affected with Phenylalanine Hydroxylase Deficiency (Phenylketonuria) (e.g., Rajabi_2019). These data do not allow any conclusion about variant significance. A different variant affecting the same codon has been classified as pathogenic by our lab (c.1157A>G, p.Tyr386Cys), supporting the critical relevance of codon 386 to PAH protein function. To our knowledge, no experimental evidence demonstrating an impact on protein function has been reported. The following publication have been ascertained in the context of this evaluation (PMID: 31623983). ClinVar contains an entry for this variant (Variation ID: 193805). Based on the evidence outlined above, the variant was classified as VUS-possibly pathogenic.

Eurofins Ntd Llc (ga)
Classification: Uncertain significance. Last evaluated: 2015-09-29. Review status: criteria provided, single submitter. Criteria: EGL Classification Definitions 2015. Collection method: clinical testing. Allele origin: germline. Observed: 1 variant allele, 1 heterozygote.

Natera, Inc.
Classification: Likely pathogenic for Phenylketonuria. Last evaluated: 2025-05-05. Review status: no assertion criteria provided. Collection method: clinical testing. Allele origin: germline. Not counted in ClinVar's aggregate classification.

Literature cited by the submitters: PubMed 31623983 (cited by Women's Health and Genetics/Laboratory Corporation of America, LabCorp).

NM_000277.3(PAH):c.1156T>C (p.Tyr386His)

Gene: PAH (phenylalanine hydroxylase; minus strand). Cytogenetic location: 12q23.2.
Variant type: single nucleotide variant.
Coding change: c.1156T>C on transcript NM_000277.3 (MANE Select); coding-DNA position 1156, T replaced by C.
Protein change: p.Tyr386His; replaces tyrosine 386 with histidine.
Molecular consequence: missense variant.
Genome position (GRCh38, 1-based): chr12:102,843,689, A>G on the plus strand (T>C on the coding strand, the complement: PAH is on the minus strand). VCF-style: chr12-102843689-A-G. GRCh37 (hg19) VCF-style: chr12-103237467-A-G.
Other names: c.1156T>C (NM_000277.2); c.1156T>C, p.Tyr386His (NM_001354304.2); short protein forms Y386H.
Identifiers: ClinVar variation 193805 (VCV000193805.7), dbSNP rs199475691, ClinGen allele CA239463.